The following is an entry in ClinVar:

NM_001283009.2(RTEL1):c.1868G>A (p.Cys623Tyr)

Genes: RTEL1 (regulator of telomere elongation helicase 1; plus strand), RTEL1-TNFRSF6B (RTEL1-TNFRSF6B readthrough (NMD candidate); plus strand). Cytogenetic location: 20q13.33.
Variant type: single nucleotide variant.
Coding change: c.1868G>A on transcript NM_001283009.2 (MANE Select); coding-DNA position 1868, G replaced by A.
Protein change: p.Cys623Tyr; replaces cysteine 623 with tyrosine.
Molecular consequence: missense variant. On other transcripts: non-coding transcript variant (1).
Genome position (GRCh38, 1-based): chr20:63,689,122, G>A. VCF-style: chr20-63689122-G-A. GRCh37 (hg19) VCF-style: chr20-62320475-G-A.
Other names: c.1199G>A, p.Cys400Tyr (NM_001283010.1); c.1868G>A, p.Cys623Tyr (NM_016434.4); c.1940G>A, p.Cys647Tyr (NM_032957.5); short protein forms C623Y, C647Y, C400Y.
Identifiers: ClinVar variation 2087430 (VCV002087430.4), dbSNP rs2517128203, ClinGen allele CA409678628.
Genomic context (GRCh38, chr20:63,689,122, plus strand): 5'-GTGCTTACTATGCAAGGGTTGCCGCCCCTGGGTCCACCGGCGCCACCTTCCTGGCGGTCT[G>A]CCGGGGCAAGGTGAGCTCTCCAGGGCCCTCTGCCCTGACCTGGTTGCCTGTTCCCTGGTG-3'
Protein context (NP_001269938.1, residues 613-633): GSTGATFLAV[Cys623Tyr]RGKASEGLDF

ClinVar aggregate classification (germline): Uncertain significance (1 of 4 stars; one submission).

Conditions:
Dyskeratosis congenita, autosomal recessive 5 (DKCB5). Identifiers: MedGen C3554656, MONDO:0014076, OMIM 615190.
Pulmonary fibrosis and/or bone marrow failure, Telomere-related, 3. Also called: PULMONARY FIBROSIS AND/OR BONE MARROW FAILURE SYNDROME, TELOMERE-RELATED, 3. Identifiers: Orphanet 2032, MedGen C4225346, MONDO:0014613, OMIM 616373.

Submission:

Labcorp Genetics (formerly Invitae), Labcorp
Classification: Uncertain significance for Dyskeratosis congenita, autosomal recessive 5; Pulmonary fibrosis and/or bone marrow failure, Telomere-related, 3. Last evaluated: 2022-01-18. Review status: criteria provided, single submitter. Criteria: Invitae Variant Classification Sherloc (09022015). Collection method: clinical testing. Allele origin: germline.
Comment: In summary, the available evidence is currently insufficient to determine the role of this variant in disease. Therefore, it has been classified as a Variant of Uncertain Significance. Algorithms developed to predict the effect of missense changes on protein structure and function are either unavailable or do not agree on the potential impact of this missense change (SIFT: "Tolerated"; PolyPhen-2: "Probably Damaging"; Align-GVGD: "Class C0"). This variant has not been reported in the literature in individuals affected with RTEL1-related conditions. This variant is not present in population databases (gnomAD no frequency). This sequence change replaces cysteine, which is neutral and slightly polar, with tyrosine, which is neutral and polar, at codon 623 of the RTEL1 protein (p.Cys623Tyr).